The following is an entry in ClinVar:

ClinVar aggregate classification (germline): Benign/Likely benign. Review status: criteria provided, multiple submitters, no conflicts (2 of 4 stars). 4 submissions from 4 submitters: Benign (2); Likely benign (1). 1 of the submissions does not count toward it. Last evaluated 2024-09-01.

Conditions:
SASH1-related disorder. Also called: SASH1-related condition.

Allele frequency attached by ClinVar (database versions not stated): 1000 Genomes Project 0.00140; 1000 Genomes Project 30x 0.00172; TOPMed 0.00303; ESP Exome Variant Server 0.00380; gnomAD 0.00452 and 0.00478; ExAC 0.00519.
gnomAD v4.1: 9,007 of 1,613,180 alleles (0.56%); highest among the groups gnomAD compares: Non-Finnish European, 0.61%; 44 homozygotes.

Submissions (4):

CeGaT Center for Human Genetics Tuebingen
Classification: Likely benign. Last evaluated: 2024-09-01. Review status: criteria provided, single submitter. Criteria: CeGaT Center For Human Genetics Tuebingen Variant Classification Criteria Version 2. Collection method: clinical testing. Allele origin: germline. Affected: yes. Observed: 2 variant alleles.
Comment: SASH1: BP4, BS2

Mendelics
Classification: Benign. Last evaluated: 2022-05-04. Review status: criteria provided, single submitter. Criteria: Mendelics Assertion Criteria 2019. Collection method: clinical testing. Allele origin: germline.

Labcorp Genetics (formerly Invitae), Labcorp
Classification: Benign. Last evaluated: 2019-12-31. Review status: criteria provided, single submitter. Criteria: Invitae Variant Classification Sherloc (09022015). Collection method: clinical testing. Allele origin: germline.

PreventionGenetics, part of Exact Sciences
Classification: Benign for SASH1-related condition. Last evaluated: 2023-12-14. Review status: no assertion criteria provided. Collection method: clinical testing. Allele origin: germline. Not counted in ClinVar's aggregate classification.
Comment: This variant is classified as benign based on ACMG/AMP sequence variant interpretation guidelines (Richards et al. 2015 PMID: 25741868, with internal and published modifications).

NM_015278.5(SASH1):c.3084C>A (p.Ser1028Arg)

Gene: SASH1 (SAM and SH3 domain containing 1; plus strand). Cytogenetic location: 6q25.1.
Variant type: single nucleotide variant.
Coding change: c.3084C>A on transcript NM_015278.5 (MANE Select); coding-DNA position 3084, C replaced by A.
Protein change: p.Ser1028Arg; replaces serine 1028 with arginine.
Molecular consequence: missense variant.
Genome position (GRCh38, 1-based): chr6:148,544,554, C>A. VCF-style: chr6-148544554-C-A. GRCh37 (hg19) VCF-style: chr6-148865690-C-A.
Other names: c.2949C>A, p.Ser983Arg (NM_001346505.2); c.2712C>A, p.Ser904Arg (NM_001346506.2); c.2367C>A, p.Ser789Arg (NM_001346507.2); c.2856C>A, p.Ser952Arg (NM_001346508.2); c.2733C>A, p.Ser911Arg (NM_001346509.2); c.3084C>A (NM_015278.4); short protein forms S983R, S789R, S904R, S1028R, S911R, S952R.
Identifiers: ClinVar variation 789511 (VCV000789511.30), dbSNP rs140316955, ClinGen allele CA4040753.